The following is an entry in ClinVar:

NM_021096.4(CACNA1I):c.5501C>T (p.Ser1834Leu)

Gene: CACNA1I (calcium voltage-gated channel subunit alpha1 I; plus strand). Cytogenetic location: 22q13.1.
Variant type: single nucleotide variant.
Coding change: c.5501C>T on transcript NM_021096.4 (MANE Select); coding-DNA position 5501, C replaced by T.
Protein change: p.Ser1834Leu; replaces serine 1834 with leucine.
Molecular consequence: missense variant.
Genome position (GRCh38, 1-based): chr22:39,679,828, C>T. VCF-style: chr22-39679828-C-T. GRCh37 (hg19) VCF-style: chr22-40075833-C-T.
Other names: c.5396C>T, p.Ser1799Leu (NM_001003406.2); short protein forms S1834L, S1799L.
Identifiers: ClinVar variation 3484060 (VCV003484060.2).

ClinVar aggregate classification (germline): Uncertain significance. Review status: criteria provided, multiple submitters, no conflicts (2 of 4 stars). 2 submissions from 2 submitters: Uncertain significance (2). Last evaluated 2024-12-27.

gnomAD v4.1: 74 of 1,612,770 alleles (0.0046%); highest among the groups gnomAD compares: Non-Finnish European, 0.0057%; no homozygotes.

Submissions (2):

Women's Health and Genetics/Laboratory Corporation of America, LabCorp
Classification: Uncertain significance. Last evaluated: 2024-12-27. Review status: criteria provided, single submitter. Criteria: LabCorp Variant Classification Summary - May 2015. Collection method: clinical testing. Allele origin: germline.
Comment: Variant summary: CACNA1I c.5501C>T (p.Ser1834Leu) results in a non-conservative amino acid change in the encoded protein sequence. Five of five in-silico tools predict a damaging effect of the variant on protein function. The variant allele was found at a frequency of 1.6e-05 in 246492 control chromosomes. The available data on variant occurrences in the general population are insufficient to allow any conclusion about variant significance. To our knowledge, no occurrence of c.5501C>T in individuals affected with Neurodevelopmental Disorder With Speech Impairment And With Or Without Seizures and no experimental evidence demonstrating its impact on protein function have been reported. No submitters have cited clinical-significance assessments for this variant to ClinVar. Based on the evidence outlined above, the variant was classified as uncertain significance.

Ambry Genetics
Classification: Uncertain significance. Last evaluated: 2024-11-15. Review status: criteria provided, single submitter. Criteria: Ambry Variant Classification Scheme 2023. Collection method: clinical testing. Allele origin: germline.